The following is an entry in ClinVar:

ClinVar aggregate classification (germline): Uncertain significance (1 of 4 stars; one submission).

Allele frequency attached by ClinVar (database versions not stated): gnomAD exomes below 0.00001.
gnomAD v4.1: 1 of 1,613,988 alleles (0.000062%); highest among the groups gnomAD compares: Non-Finnish European, 0.000085%; no homozygotes.

Submission:

Labcorp Genetics (formerly Invitae), Labcorp
Classification: Uncertain significance. Last evaluated: 2023-07-07. Review status: criteria provided, single submitter. Criteria: Invitae Variant Classification Sherloc (09022015). Collection method: clinical testing. Allele origin: germline.
Comment: This sequence change replaces alanine, which is neutral and non-polar, with serine, which is neutral and polar, at codon 1008 of the ADGRA3 protein (p.Ala1008Ser). This variant is not present in population databases (gnomAD no frequency). This variant has not been reported in the literature in individuals affected with ADGRA3-related conditions. ClinVar contains an entry for this variant (Variation ID: 1949653). Algorithms developed to predict the effect of missense changes on protein structure and function output the following: SIFT: "Not Available"; PolyPhen-2: "Benign"; Align-GVGD: "Not Available". The serine amino acid residue is found in multiple mammalian species, which suggests that this missense change does not adversely affect protein function. In summary, the available evidence is currently insufficient to determine the role of this variant in disease. Therefore, it has been classified as a Variant of Uncertain Significance.

NM_145290.4(ADGRA3):c.3022G>T (p.Ala1008Ser)

Gene: ADGRA3 (adhesion G protein-coupled receptor A3; minus strand). Cytogenetic location: 4p15.2.
Variant type: single nucleotide variant.
Coding change: c.3022G>T on transcript NM_145290.4 (MANE Select); coding-DNA position 3022, G replaced by T.
Protein change: p.Ala1008Ser; replaces alanine 1008 with serine.
Molecular consequence: missense variant.
Genome position (GRCh38, 1-based): chr4:22,388,649, C>A on the plus strand (G>T on the coding strand, the complement: ADGRA3 is on the minus strand). VCF-style: chr4-22388649-C-A. GRCh37 (hg19) VCF-style: chr4-22390272-C-A.
Other names: short protein forms A1008S.
Identifiers: ClinVar variation 1949653 (VCV001949653.5), dbSNP rs1713958415, ClinGen allele CA356474173.